The following is an entry in ClinVar:

ClinVar aggregate classification (germline): Uncertain significance (1 of 4 stars; one submission).

Conditions:
Frontometaphyseal dysplasia (FMD1). Identifiers: Orphanet 1826, MedGen C0265293, MONDO:0015942.
Oto-palato-digital syndrome, type II (OPD2). Also called: FACIOPALATOOSSEOUS SYNDROME; OPD II SYNDROME; Otopalatodigital Syndrome, Type II; Otopalatodigital Syndrome Type 2 (FLNA-OPD2). Identifiers: Orphanet 669, Orphanet 90652, MedGen C1844696, MONDO:0010571, OMIM 304120.
Heterotopia, periventricular, X-linked dominant (PVNH1). Also called: PERIVENTRICULAR NODULAR HETEROTOPIA 1; X-linked periventricular heterotopia; PERIVENTRICULAR NODULAR HETEROTOPIA 4; HETEROTOPIA, PERIVENTRICULAR, 1. Identifiers: Orphanet 2149, Orphanet 82004, MedGen C1848213, MONDO:0010233, OMIM 300049.
Melnick-Needles syndrome (MNS). Also called: MELNICK-NEEDLES OSTEODYSPLASTY; OSTEODYSPLASTY OF MELNICK AND NEEDLES; Melnick-Needles Syndrome (FLNA-MNS). Identifiers: Orphanet 2484, MedGen C0025237, MONDO:0010650, OMIM 309350.

Allele frequency attached by ClinVar (database versions not stated): TOPMed below 0.00001.

Submission:

Labcorp Genetics (formerly Invitae), Labcorp
Classification: Uncertain significance for Oto-palato-digital syndrome, type II; Heterotopia, periventricular, X-linked dominant; Frontometaphyseal dysplasia; Melnick-Needles syndrome. Last evaluated: 2019-12-20. Review status: criteria provided, single submitter. Criteria: Invitae Variant Classification Sherloc (09022015). Collection method: clinical testing. Allele origin: germline.
Comment: This variant is not present in population databases (ExAC no frequency). In summary, the available evidence is currently insufficient to determine the role of this variant in disease. Therefore, it has been classified as a Variant of Uncertain Significance. Algorithms developed to predict the effect of missense changes on protein structure and function are either unavailable or do not agree on the potential impact of this missense change (SIFT: "Deleterious"; PolyPhen-2: "Benign"; Align-GVGD: "Class C55"). This variant has not been reported in the literature in individuals with FLNA-related conditions. This sequence change replaces threonine with serine at codon 1218 of the FLNA protein (p.Thr1218Ser). The threonine residue is highly conserved and there is a small physicochemical difference between threonine and serine.

NM_001110556.2(FLNA):c.3653C>G (p.Thr1218Ser)

Gene: FLNA (filamin A; minus strand). Cytogenetic location: Xq28.
Variant type: single nucleotide variant.
Coding change: c.3653C>G on transcript NM_001110556.2 (MANE Select); coding-DNA position 3653, C replaced by G.
Protein change: p.Thr1218Ser; replaces threonine 1218 with serine.
Molecular consequence: missense variant.
Genome position (GRCh38, 1-based): chrX:154,360,142, G>C on the plus strand (C>G on the coding strand, the complement: FLNA is on the minus strand). VCF-style: chrX-154360142-G-C. GRCh37 (hg19) VCF-style: chrX-153588510-G-C.
Other names: c.3653C>G, p.Thr1218Ser (NM_001456.4); short protein forms T1218S.
Identifiers: ClinVar variation 856633 (VCV000856633.10), dbSNP rs2067693792, ClinGen allele CA415223629.
Genomic context (GRCh38, chrX:154,360,142, plus strand): 5'-TGGCCGCCGTACTTGATGGTGACGGTGTAGGCCCCGGGGCAGAGGGGAATGTAGGTAATG[G>C]TGTGCGTGCCATCACCGTGGTCCTGGATGTACACCTCGGCCGGAAGCCCCGCCTCCGAGC-3'
Protein context (NP_001104026.1, residues 1208-1228): YIQDHGDGTH[Thr1218Ser]ITYIPLCPGA